The following is an entry in ClinVar:

ClinVar aggregate classification (germline): Uncertain significance (1 of 4 stars; one submission).

Conditions:
Dilated cardiomyopathy 1D. Identifiers: Orphanet 154, Orphanet 54260, MedGen C1832243, MONDO:0011095, OMIM 601494.
Hypertrophic cardiomyopathy 2. Also called: TNNT2-Related Familial Hypertrophic Cardiomyopathy. Identifiers: MedGen C1861864, MONDO:0007266, OMIM 115195.
Cardiomyopathy, familial restrictive, 3. Identifiers: Orphanet 75249, MedGen C2676271, MONDO:0012900, OMIM 612422.

Submission:

Labcorp Genetics (formerly Invitae), Labcorp
Classification: Uncertain significance for Cardiomyopathy, familial restrictive, 3; Hypertrophic cardiomyopathy 2; Dilated cardiomyopathy 1D. Last evaluated: 2025-11-04. Review status: criteria provided, single submitter. Criteria: Invitae Variant Classification Sherloc (09022015). Collection method: clinical testing. Allele origin: germline.
Comment: This sequence change replaces methionine, which is neutral and non-polar, with threonine, which is neutral and polar, at codon 60 of the TNNT2 protein (p.Met60Thr). This variant is not present in population databases (gnomAD no frequency). This variant has not been reported in the literature in individuals affected with TNNT2-related conditions. Invitae Evidence Modeling of protein sequence and biophysical properties (such as structural, functional, and spatial information, amino acid conservation, physicochemical variation, residue mobility, and thermodynamic stability) indicates that this missense variant is not expected to disrupt TNNT2 protein function with a negative predictive value of 80%. In summary, the available evidence is currently insufficient to determine the role of this variant in disease. Therefore, it has been classified as a Variant of Uncertain Significance.

NM_001276345.2(TNNT2):c.209T>C (p.Met70Thr)

Gene: TNNT2 (troponin T2, cardiac type; minus strand). Cytogenetic location: 1q32.1.
Variant type: single nucleotide variant.
Coding change: c.209T>C on transcript NM_001276345.2 (MANE Select); coding-DNA position 209, T replaced by C.
Protein change: p.Met70Thr; replaces methionine 70 with threonine.
Molecular consequence: missense variant.
Genome position (GRCh38, 1-based): chr1:201,366,862, A>G on the plus strand (T>C on the coding strand, the complement: TNNT2 is on the minus strand). VCF-style: chr1-201366862-A-G. GRCh37 (hg19) VCF-style: chr1-201335990-A-G.
Other names: c.209T>C, p.Met70Thr (NM_000364.4, NM_001406723.1); c.179T>C, p.Met60Thr (NM_001001430.3, NM_001001431.3, NM_001276347.2 and 3 more transcripts); c.164T>C, p.Met55Thr (NM_001001432.3, NM_001406728.1); c.206T>C, p.Met69Thr (NM_001276346.2); c.176T>C, p.Met59Thr (NM_001406725.1); short protein forms M55T, M69T, M59T, M60T, M70T.
Identifiers: ClinVar variation 4792386 (VCV004792386.1).